The following is an entry in ClinVar:

ClinVar aggregate classification (germline): Uncertain significance. Review status: criteria provided, multiple submitters, no conflicts (2 of 4 stars). 2 submissions from 2 submitters: Uncertain significance (2). Last evaluated 2025-06-19.

Conditions:
Inborn genetic diseases. Identifiers: MedGen C0950123, MeSH D030342.
Nephronophthisis. Also called: Juvenile Nephronophthisis. Identifiers: Orphanet 655, MedGen C0687120, MONDO:0019005, HP:0000090.

Allele frequency attached by ClinVar (database versions not stated): gnomAD exomes below 0.00001; TOPMed below 0.00001; ExAC 0.00001; gnomAD 0.00001.

Submissions (2):

Ambry Genetics
Classification: Uncertain significance for Inborn genetic diseases. Last evaluated: 2025-06-19. Review status: criteria provided, single submitter. Criteria: Ambry Variant Classification Scheme 2023. Collection method: clinical testing. Allele origin: germline.

Labcorp Genetics (formerly Invitae), Labcorp
Classification: Uncertain significance for Nephronophthisis. Last evaluated: 2021-09-01. Review status: criteria provided, single submitter. Criteria: Invitae Variant Classification Sherloc (09022015). Collection method: clinical testing. Allele origin: germline.
Comment: This sequence change replaces arginine with glutamine at codon 779 of the INVS protein (p.Arg779Gln). The arginine residue is highly conserved and there is a small physicochemical difference between arginine and glutamine. This variant is present in population databases (rs771128055, ExAC 0.006%). This variant has not been reported in the literature in individuals affected with INVS-related conditions. Algorithms developed to predict the effect of missense changes on protein structure and function output the following: SIFT: "Tolerated"; PolyPhen-2: "Benign"; Align-GVGD: "Class C0". The glutamine amino acid residue is found in multiple mammalian species, which suggests that this missense change does not adversely affect protein function. In summary, the available evidence is currently insufficient to determine the role of this variant in disease. Therefore, it has been classified as a Variant of Uncertain Significance.

NM_014425.5(INVS):c.2336G>A (p.Arg779Gln)

Gene: INVS (inversin; plus strand). Cytogenetic location: 9q31.1.
Variant type: single nucleotide variant.
Coding change: c.2336G>A on transcript NM_014425.5 (MANE Select); coding-DNA position 2336, G replaced by A.
Protein change: p.Arg779Gln; replaces arginine 779 with glutamine.
Molecular consequence: missense variant. On other transcripts: non-coding transcript variant (1).
Genome position (GRCh38, 1-based): chr9:100,292,593, G>A. VCF-style: chr9-100292593-G-A. GRCh37 (hg19) VCF-style: chr9-103054875-G-A.
Other names: c.2336G>A (NM_014425.2); c.2048G>A, p.Arg683Gln (NM_001318381.2); c.1358G>A, p.Arg453Gln (NM_001318382.2); short protein forms R453Q, R779Q, R683Q.
Identifiers: ClinVar variation 1399855 (VCV001399855.7), dbSNP rs771128055, ClinGen allele CA5158602.
Genomic context (GRCh38, chr9:100,292,593, plus strand): 5'-ACTCCAGGCGGGCAGCTGCAAGCCTTCCACCGCACGATAGCCACTGGAAGCCCAGCAGGC[G>A]GCATGACACAGAACCCAAGGCCAAATGTGCCCCCCAGAAAAGGCGCACTCAAGAGCTCAG-3'
Protein context (NP_055240.2, residues 769-789): PHDSHWKPSR[Arg779Gln]HDTEPKAKCA